The following is an entry in ClinVar:

NM_001042492.3(NF1):c.653del (p.Lys218fs)

Gene: NF1 (neurofibromin 1; plus strand). Cytogenetic location: 17q11.2.
Variant type: Deletion.
Coding change: c.653del on transcript NM_001042492.3 (MANE Select); coding-DNA position 653, one base deleted (A; older notation c.653delA).
Protein change: p.Lys218fs; shifts the reading frame from lysine 218.
Molecular consequence: frameshift variant.
Genome position (GRCh38, 1-based): chr17:31,181,488, A deleted; the last of 4 consecutive A bases (chr17:31,181,485-31,181,488); deleting any one gives the same sequence. VCF-style (leftmost placement, unchanged base first): chr17-31181484-GA-G. GRCh37 (hg19) VCF-style: chr17-29508502-GA-G.
Other names: c.653del, p.Lys218fs (NM_001128147.3); c.653delA, p.Lys218Argfs (NM_000267.4); c.653delA (NM_000267.3); short protein forms K218fs.
Identifiers: ClinVar variation 653602 (VCV000653602.6), dbSNP rs1131691094, ClinGen allele CA915949755.
Genomic context (GRCh38, chr17:31,181,484, plus strand): 5'-ACAGCATTTAAATTTAAAGCCCTAAAGAAGGTTGCGCAGTTAGCAGTTATAAATAGCCTG[GA>G]AAAGGTAAGTTACAACCTCTCTGGTATTAAAATTTTGTTTTTGATGTAAAATTTGCTGTT-3'

ClinVar aggregate classification (germline): Pathogenic. Review status: criteria provided, multiple submitters, no conflicts (2 of 4 stars). 2 submissions from 2 submitters: Pathogenic (2). Last evaluated 2026-04-15.

Conditions:
Neurofibromatosis, type 1 (NF1). Also called: VON RECKLINGHAUSEN DISEASE; Neurofibromatosis, type I; NEUROFIBROMATOSIS, TYPE I, SOMATIC; Peripheral type neurofibromatosis. Identifiers: Orphanet 636, MedGen C0027831, MONDO:0018975, OMIM 162200. Disease mechanism: loss of function.
Cardiovascular phenotype. Identifiers: MedGen CN230736.
Hereditary cancer-predisposing syndrome. Also called: Tumor predisposition; Hereditary Cancer Syndrome; Neoplastic Syndromes, Hereditary; Hereditary neoplastic syndrome. Identifiers: Orphanet 140162, MedGen C0027672, MeSH D009386, MONDO:0015356.

Submissions (2):

Ambry Genetics
Classification: Pathogenic for Cardiovascular phenotype; Hereditary cancer-predisposing syndrome. Last evaluated: 2026-04-15. Review status: criteria provided, single submitter. Criteria: Ambry Variant Classification Scheme 2023. Collection method: clinical testing. Allele origin: germline.
Comment: The c.653delA pathogenic mutation, located in coding exon 6 of the NF1 gene, results from a deletion of one nucleotide at nucleotide position 653, causing a translational frameshift with a predicted alternate stop codon (p.K218Rfs*7). This variant was reported in individual(s) with features consistent with neurofibromatosis type 1 (Pros E et al. Hum Mutat. 2008 Sep;29:E173-93; Kang E et al. J Hum Genet. 2020 Jan;65:79-89; Paterra R et al. Cancers (Basel). 2022 Dec;15:; Safonov A et al. Nat Commun. 2025 Apr;16:3121; Ambry internal data). This variant is considered to be rare based on population cohorts in the Genome Aggregation Database (gnomAD). This alteration is expected to result in loss of function by premature protein truncation or nonsense-mediated mRNA decay. As such, this alteration is interpreted as a disease-causing mutation.

Labcorp Genetics (formerly Invitae), Labcorp
Classification: Pathogenic for Neurofibromatosis, type 1. Last evaluated: 2021-12-06. Review status: criteria provided, single submitter. Criteria: Invitae Variant Classification Sherloc (09022015). Collection method: clinical testing. Allele origin: germline.
Comment: For these reasons, this variant has been classified as Pathogenic. ClinVar contains an entry for this variant (Variation ID: 653602). This premature translational stop signal has been observed in individual(s) with neurofibromatosis type 1 (PMID: 18546366, 30308447). This variant is not present in population databases (gnomAD no frequency). This sequence change creates a premature translational stop signal (p.Lys218Argfs*7) in the NF1 gene. It is expected to result in an absent or disrupted protein product. Loss-of-function variants in NF1 are known to be pathogenic (PMID: 10712197, 23913538).

Literature cited by the submitters: PubMed 18546366 (cited by Ambry Genetics and Labcorp Genetics (formerly Invitae), Labcorp); PubMed 31776437 (cited by Ambry Genetics); PubMed 36612057 (cited by Ambry Genetics); PubMed 40169570 (cited by Ambry Genetics); PubMed 30308447 (cited by Labcorp Genetics (formerly Invitae), Labcorp); PubMed 10712197 (cited by Labcorp Genetics (formerly Invitae), Labcorp); PubMed 23913538 (cited by Labcorp Genetics (formerly Invitae), Labcorp).